The following is an entry in ClinVar:

NM_000465.4(BARD1):c.273G>C (p.Trp91Cys)

Gene: BARD1 (BRCA1 associated RING domain 1; minus strand). Cytogenetic location: 2q35.
Variant type: single nucleotide variant.
Coding change: c.273G>C on transcript NM_000465.4 (MANE Select); coding-DNA position 273, G replaced by C.
Protein change: p.Trp91Cys; replaces tryptophan 91 with cysteine.
Molecular consequence: missense variant. On other transcripts: non-coding transcript variant (1), intron variant (2).
Genome position (GRCh38, 1-based): chr2:214,792,388, C>G on the plus strand (G>C on the coding strand, the complement: BARD1 is on the minus strand). VCF-style: chr2-214792388-C-G. GRCh37 (hg19) VCF-style: chr2-215657112-C-G.
Other names: c.216G>C, p.Trp72Cys (NM_001282543.2); c.273G>C, p.Trp91Cys (NM_001282549.2); c.158+17024G>C (NM_001282548.2); c.215+4673G>C (NM_001282545.2); short protein forms W91C, W72C.
Identifiers: ClinVar variation 2120961 (VCV002120961.2), dbSNP rs2106135008, ClinGen allele CA350461117.

ClinVar aggregate classification (germline): Uncertain significance (1 of 4 stars; one submission).

Conditions:
Familial cancer of breast. Also called: BREAST CANCER, FAMILIAL; Hereditary breast cancer; hereditary breast carcinoma. Identifiers: Orphanet 227535, MedGen C0346153, MONDO:0016419, OMIM 114480. Disease mechanism: loss of function.

Submission:

Labcorp Genetics (formerly Invitae), Labcorp
Classification: Uncertain significance for Familial cancer of breast. Last evaluated: 2022-04-03. Review status: criteria provided, single submitter. Criteria: Invitae Variant Classification Sherloc (09022015). Collection method: clinical testing. Allele origin: germline.
Comment: This sequence change replaces tryptophan, which is neutral and slightly polar, with cysteine, which is neutral and slightly polar, at codon 91 of the BARD1 protein (p.Trp91Cys). In summary, the available evidence is currently insufficient to determine the role of this variant in disease. Therefore, it has been classified as a Variant of Uncertain Significance. Algorithms developed to predict the effect of missense changes on protein structure and function (SIFT, PolyPhen-2, Align-GVGD) all suggest that this variant is likely to be disruptive. This variant has not been reported in the literature in individuals affected with BARD1-related conditions. This variant is not present in population databases (gnomAD no frequency).